The following is an entry in ClinVar:

NM_006440.5(TXNRD2):c.1253G>A (p.Arg418His)

Gene: TXNRD2 (thioredoxin reductase 2; minus strand). Cytogenetic location: 22q11.21.
Variant type: single nucleotide variant.
Coding change: c.1253G>A on transcript NM_006440.5 (MANE Select); coding-DNA position 1253, G replaced by A.
Protein change: p.Arg418His; replaces arginine 418 with histidine.
Molecular consequence: missense variant. On other transcripts: non-coding transcript variant (1).
Genome position (GRCh38, 1-based): chr22:19,880,201, C>T on the plus strand (G>A on the coding strand, the complement: TXNRD2 is on the minus strand). VCF-style: chr22-19880201-C-T. GRCh37 (hg19) VCF-style: chr22-19867724-C-T.
Other names: c.1163G>A, p.Arg388His (NM_001352301.2); c.965G>A, p.Arg322His (NM_001352302.2); c.1250G>A, p.Arg417His (NM_001352300.2); short protein forms R418H, R322H, R417H, R388H.
Identifiers: ClinVar variation 1432777 (VCV001432777.11), dbSNP rs1388670551, ClinGen allele CA410680897.

ClinVar aggregate classification (germline): Uncertain significance. Review status: criteria provided, multiple submitters, no conflicts (2 of 4 stars). 2 submissions from 2 submitters: Uncertain significance (2). Last evaluated 2025-09-05.

Conditions:
Primary dilated cardiomyopathy (DCM). Also called: Dilated Cardiomyopathy. Identifiers: Orphanet 217604, MedGen C0007193, MeSH D002311, MONDO:0005021, HP:0001644. Inheritance: Various modes of inheritance.
Cardiovascular phenotype. Identifiers: MedGen CN230736.

Allele frequency attached by ClinVar (database versions not stated): gnomAD exomes 0.00001; TOPMed 0.00001.
gnomAD v4.1: 10 of 1,613,328 alleles (0.00062%); highest among the groups gnomAD compares: East Asian, 0.0022%; no homozygotes.

Submissions (2):

Ambry Genetics
Classification: Uncertain significance for Cardiovascular phenotype. Last evaluated: 2025-09-05. Review status: criteria provided, single submitter. Criteria: Ambry Variant Classification Scheme 2023. Collection method: clinical testing. Allele origin: germline.

Labcorp Genetics (formerly Invitae), Labcorp
Classification: Uncertain significance for Primary dilated cardiomyopathy. Last evaluated: 2021-08-07. Review status: criteria provided, single submitter. Criteria: Invitae Variant Classification Sherloc (09022015). Collection method: clinical testing. Allele origin: germline.
Comment: This sequence change replaces arginine with histidine at codon 418 of the TXNRD2 protein (p.Arg418His). The arginine residue is weakly conserved and there is a small physicochemical difference between arginine and histidine. This variant is not present in population databases (ExAC no frequency). This variant has not been reported in the literature in individuals affected with TXNRD2-related conditions. Algorithms developed to predict the effect of missense changes on protein structure and function (SIFT, PolyPhen-2, Align-GVGD) all suggest that this variant is likely to be tolerated. In summary, the available evidence is currently insufficient to determine the role of this variant in disease. Therefore, it has been classified as a Variant of Uncertain Significance.